The following is an entry in ClinVar:

NM_004260.4(RECQL4):c.1724A>G (p.His575Arg)

Gene: RECQL4 (RecQ like helicase 4; minus strand). Cytogenetic location: 8q24.3.
Variant type: single nucleotide variant.
Coding change: c.1724A>G on transcript NM_004260.4 (MANE Select); coding-DNA position 1724, A replaced by G.
Protein change: p.His575Arg; replaces histidine 575 with arginine.
Molecular consequence: missense variant. On other transcripts: non-coding transcript variant (3), intron variant (3).
Genome position (GRCh38, 1-based): chr8:144,514,343, T>C on the plus strand (A>G on the coding strand, the complement: RECQL4 is on the minus strand). VCF-style: chr8-144514343-T-C. GRCh37 (hg19) VCF-style: chr8-145739727-T-C.
Other names: c.1724A>G (NM_004260.3); c.1628A>G, p.His543Arg (NM_001413017.1, NM_001413020.1); c.1724A>G, p.His575Arg (NM_001413018.1, NM_001413019.1, NM_001413036.1); c.653A>G, p.His218Arg (NM_001413021.1, NM_001413022.1, NM_001413023.1 and 6 more transcripts); c.1595A>G, p.His532Arg (NM_001413025.1); c.587A>G, p.His196Arg (NM_001413027.1, NM_001413030.1, NM_001413032.1 and 1 more transcripts); c.1373A>G, p.His458Arg (NM_001413029.1); c.1694A>G, p.His565Arg (NM_001413039.1); and 5 more; short protein forms H218R, H458R, H86R, H208R, H575R, H532R, H196R, H543R.
Identifiers: ClinVar variation 2965147 (VCV002965147.4), dbSNP rs761590283, ClinGen allele CA4948677.

ClinVar aggregate classification (germline): Uncertain significance. Review status: criteria provided, multiple submitters, no conflicts (2 of 4 stars). 2 submissions from 2 submitters: Uncertain significance (2). Last evaluated 2025-08-04.

Conditions:
Baller-Gerold syndrome (BGS). Also called: CRANIOSYNOSTOSIS WITH RADIAL DEFECTS. Identifiers: Orphanet 1225, MedGen C0265308, MONDO:0009039, OMIM 218600.
Inborn genetic diseases. Identifiers: MedGen C0950123, MeSH D030342.

Allele frequency attached by ClinVar (database versions not stated): gnomAD exomes below 0.00001; ExAC 0.00001; gnomAD 0.00001.
gnomAD v4.1: 3 of 1,606,076 alleles (0.00019%); highest among the groups gnomAD compares: Admixed American, 0.0033%; no homozygotes.

Submissions (2):

Labcorp Genetics (formerly Invitae), Labcorp
Classification: Uncertain significance for Baller-Gerold syndrome. Last evaluated: 2025-08-04. Review status: criteria provided, single submitter. Criteria: Invitae Variant Classification Sherloc (09022015). Collection method: clinical testing. Allele origin: germline.
Comment: This sequence change replaces histidine, which is basic and polar, with arginine, which is basic and polar, at codon 575 of the RECQL4 protein (p.His575Arg). This variant is present in population databases (rs761590283, gnomAD 0.006%). This variant has not been reported in the literature in individuals affected with RECQL4-related conditions. ClinVar contains an entry for this variant (Variation ID: 2965147). Invitae Evidence Modeling of protein sequence and biophysical properties (such as structural, functional, and spatial information, amino acid conservation, physicochemical variation, residue mobility, and thermodynamic stability) indicates that this missense variant is not expected to disrupt RECQL4 protein function with a negative predictive value of 80%. In summary, the available evidence is currently insufficient to determine the role of this variant in disease. Therefore, it has been classified as a Variant of Uncertain Significance.

Ambry Genetics
Classification: Uncertain significance for Inborn genetic diseases. Last evaluated: 2025-03-30. Review status: criteria provided, single submitter. Criteria: Ambry Variant Classification Scheme 2023. Collection method: clinical testing. Allele origin: germline.
Comment: The p.H575R variant (also known as c.1724A>G), located in coding exon 11 of the RECQL4 gene, results from an A to G substitution at nucleotide position 1724. The histidine at codon 575 is replaced by arginine, an amino acid with highly similar properties. This amino acid position is conserved. In addition, the in silico prediction for this alteration is inconclusive. Based on the available evidence, the clinical significance of this variant remains unclear.